The following is an entry in ClinVar:

ClinVar aggregate classification (germline): Likely benign (1 of 4 stars; one submission).

Conditions:
Nestor-Guillermo progeria syndrome (NGPS). Also called: PROGERIA SYNDROME, CHILDHOOD-ONSET, WITH OSTEOLYSIS. Identifiers: Orphanet 280576, MedGen C3151446, MONDO:0013523, OMIM 614008.

Allele frequency attached by ClinVar (database versions not stated): gnomAD exomes 0.00039; 1000 Genomes Project 0.00339; gnomAD 0.00387 and 0.00424; TOPMed 0.00434; 1000 Genomes Project 30x 0.00328.
gnomAD v4.1: 1,166 of 1,549,076 alleles (0.075%); highest among the groups gnomAD compares: African/African-American, 1.4%; 12 homozygotes.

Submission:

Illumina Laboratory Services, Illumina
Classification: Likely benign for Nestor-Guillermo progeria syndrome. Last evaluated: 2017-04-28. Review status: criteria provided, single submitter. Criteria: ICSL Variant Classification Criteria 13 December 2019. Collection method: clinical testing. Allele origin: germline.
Comment: This variant was observed as part of a predisposition screen in an ostensibly healthy population. A literature search was performed for the gene, cDNA change, and amino acid change (where applicable). Publications were found based on this search. The evidence from the literature, in combination with allele frequency data from public databases where available, was sufficient to determine this variant is unlikely to cause disease. Therefore, this variant is classified as likely benign.

Literature cited by the submitters: PubMed 23720404.

NM_003860.4(BANF1):c.*100C>T

Gene: BANF1 (barrier to autointegration nuclear assembly factor 1; plus strand). Cytogenetic location: 11q13.1.
Variant type: single nucleotide variant.
Coding change: c.*100C>T on transcript NM_003860.4 (MANE Select); 100 bases downstream of the stop codon, C replaced by T.
Molecular consequence: 3 prime UTR variant.
Genome position (GRCh38, 1-based): chr11:66,003,872, C>T. VCF-style: chr11-66003872-C-T. GRCh37 (hg19) VCF-style: chr11-65771343-C-T.
Other names: c.*100C>T (NM_001143985.2).
Identifiers: ClinVar variation 877794 (VCV000877794.4), dbSNP rs145574018, ClinGen allele CA224017410.